The following is an entry in ClinVar:

ClinVar aggregate classification (germline): Uncertain significance. Review status: criteria provided, multiple submitters, no conflicts (2 of 4 stars). 3 submissions from 3 submitters: Uncertain significance (3). Last evaluated 2023-04-11.

Conditions:
Inborn genetic diseases. Identifiers: MedGen C0950123, MeSH D030342.
Ichthyosis vulgaris. Also called: ICHTHYOSIS SIMPLEX; Dominant ichthyosis vulgaris. Identifiers: MedGen C0079584, MONDO:0024304, OMIM 146700.

Allele frequency attached by ClinVar (database versions not stated): ExAC 0.00022; TOPMed 0.00033; gnomAD 0.00035; ESP Exome Variant Server 0.00069.
gnomAD v4.1: 917 of 1,612,832 alleles (0.057%); highest among the groups gnomAD compares: Non-Finnish European, 0.072%; 1 homozygote.

Submissions (3):

Genome-Nilou Lab
Classification: Uncertain significance for Ichthyosis vulgaris. Last evaluated: 2023-04-11. Review status: criteria provided, single submitter. Criteria: ACMG Guidelines, 2015. Collection method: clinical testing. Allele origin: germline. Affected: no.

GeneDx
Classification: Uncertain significance. Last evaluated: 2022-10-18. Review status: criteria provided, single submitter. Criteria: GeneDx Variant Classification Process June 2021. Collection method: clinical testing. Allele origin: germline. Affected: yes.
Comment: In silico analysis supports that this missense variant does not alter protein structure/function; Has not been previously published as pathogenic or benign to our knowledge

Ambry Genetics
Classification: Uncertain significance for Inborn genetic diseases. Last evaluated: 2021-12-07. Review status: criteria provided, single submitter. Criteria: Ambry General Variant Classification Scheme_2022. Collection method: clinical testing. Allele origin: germline. Observed: 1 variant allele.

NM_002016.2(FLG):c.7634G>T (p.Gly2545Val)

Genes: FLG (filaggrin; minus strand), CCDST (cervical cancer associated DHX9 suppressive transcript; plus strand). Cytogenetic location: 1q21.3.
Variant type: single nucleotide variant.
Coding change: c.7634G>T on transcript NM_002016.2 (MANE Select); coding-DNA position 7634, G replaced by T.
Protein change: p.Gly2545Val; replaces glycine 2545 with valine.
Molecular consequence: missense variant.
Genome position (GRCh38, 1-based): chr1:152,307,252, C>A on the plus strand (G>T on the coding strand, the complement: FLG is on the minus strand). VCF-style: chr1-152307252-C-A. GRCh37 (hg19) VCF-style: chr1-152279728-C-A.
Other names: short protein forms G2545V.
Identifiers: ClinVar variation 2347964 (VCV002347964.3), dbSNP rs145899257, ClinGen allele CA1104618.